The following is an entry in ClinVar:

NM_000094.4(COL7A1):c.4482+5G>A

Gene: COL7A1 (collagen type VII alpha 1 chain; minus strand). Cytogenetic location: 3p21.31.
Variant type: single nucleotide variant.
Coding change: c.4482+5G>A on transcript NM_000094.4 (MANE Select); 5 bases into the intron after coding-DNA position 4482, G replaced by A.
Molecular consequence: intron variant.
Genome position (GRCh38, 1-based): chr3:48,583,122, C>T on the plus strand (G>A on the coding strand, the complement: COL7A1 is on the minus strand). VCF-style: chr3-48583122-C-T. GRCh37 (hg19) VCF-style: chr3-48620555-C-T.
Identifiers: ClinVar variation 1936277 (VCV001936277.2), dbSNP rs2531137158, ClinGen allele CA2580070048.

ClinVar aggregate classification (germline): Uncertain significance (1 of 4 stars; one submission).

Allele frequency attached by ClinVar (database versions not stated): gnomAD exomes below 0.00001.
gnomAD v4.1: 1 of 1,613,988 alleles (0.000062%); highest among the groups gnomAD compares: Admixed American, 0.0017%; no homozygotes.

Submission:

Labcorp Genetics (formerly Invitae), Labcorp
Classification: Uncertain significance. Last evaluated: 2022-02-01. Review status: criteria provided, single submitter. Criteria: Invitae Variant Classification Sherloc (09022015). Collection method: clinical testing. Allele origin: germline.
Comment: This sequence change falls in intron 42 of the COL7A1 gene. It does not directly change the encoded amino acid sequence of the COL7A1 protein. It affects a nucleotide within the consensus splice site. This variant is not present in population databases (gnomAD no frequency). This variant has not been reported in the literature in individuals affected with COL7A1-related conditions. Variants that disrupt the consensus splice site are a relatively common cause of aberrant splicing (PMID: 17576681, 9536098). Algorithms developed to predict the effect of sequence changes on RNA splicing suggest that this variant may disrupt the consensus splice site. In summary, the available evidence is currently insufficient to determine the role of this variant in disease. Therefore, it has been classified as a Variant of Uncertain Significance.

Literature cited by the submitters: PubMed 17576681; PubMed 9536098.